The following is an entry in ClinVar:

ClinVar aggregate classification (germline): Uncertain significance (1 of 4 stars; one submission).

Conditions:
SH2B1-related disorder. Also called: SH2B1-related condition.

gnomAD v4.1: 81 of 1,612,936 alleles (0.005%); highest among the groups gnomAD compares: Non-Finnish European, 0.0059%; no homozygotes.

Submission:

PreventionGenetics, part of Exact Sciences
Classification: Uncertain significance for SH2B1-related condition. Last evaluated: 2025-03-05. Review status: criteria provided, single submitter. Criteria: ACMG Guidelines, 2015. Collection method: clinical testing. Allele origin: germline.
Comment: The SH2B1 c.1682G>A variant is predicted to result in the amino acid substitution p.Arg561Gln. To our knowledge, this variant has not been reported in the literature. This variant is reported in 0.010% of alleles in individuals of Ashkenazi Jewish descent in gnomAD. At this time, the clinical significance of this variant is uncertain due to the absence of conclusive functional and genetic evidence.

NM_001387430.1(SH2B1):c.1682G>A (p.Arg561Gln)

Gene: SH2B1 (SH2B adaptor protein 1; plus strand). Cytogenetic location: 16p11.2.
Variant type: single nucleotide variant.
Coding change: c.1682G>A on transcript NM_001387430.1 (MANE Select); coding-DNA position 1682, G replaced by A.
Protein change: p.Arg561Gln; replaces arginine 561 with glutamine.
Molecular consequence: missense variant.
Genome position (GRCh38, 1-based): chr16:28,872,358, G>A. VCF-style: chr16-28872358-G-A. GRCh37 (hg19) VCF-style: chr16-28883679-G-A.
Other names: c.1682G>A, p.Arg561Gln (NM_001145795.2, NM_001145796.2, NM_001145797.2 and 4 more transcripts); c.674G>A, p.Arg225Gln (NM_001308294.2); short protein forms R225Q, R561Q.
Identifiers: ClinVar variation 3350761 (VCV003350761.2).
Genomic context (GRCh38, chr16:28,872,358, plus strand): 5'-TGCTGACTGGCGGCACTGGCTCCCACGGTGTCTTCCTGGTGCGCCAGAGTGAGACAAGGC[G>A]GGGTGAATACGTCCTCACCTTCAACTTCCAGGGCAAGGCCAAGGTGAGCCACCCTGTGGG-3'
Protein context (NP_001374359.1, residues 551-571): VFLVRQSETR[Arg561Gln]GEYVLTFNFQ